The following is an entry in ClinVar:

ClinVar aggregate classification (germline): Conflicting classifications of pathogenicity. Review status: criteria provided, conflicting classifications (1 of 4 stars). 4 submissions from 4 submitters: Uncertain significance (1); Likely benign (2). 1 of the submissions does not count toward it. Last evaluated 2025-12-19.

Conditions:
FAT4-related disorder. Also called: FAT4-related condition.

Allele frequency attached by ClinVar (database versions not stated): gnomAD exomes 0.00010 and 0.00028; ExAC 0.00028; gnomAD 0.00035 and 0.00036; TOPMed 0.00039; ESP Exome Variant Server 0.00062; 1000 Genomes Project 30x 0.00094; 1000 Genomes Project 0.00100.

Submissions (4):

Labcorp Genetics (formerly Invitae), Labcorp
Classification: Likely benign. Last evaluated: 2025-12-19. Review status: criteria provided, single submitter. Criteria: Invitae Variant Classification Sherloc (09022015). Collection method: clinical testing. Allele origin: germline.

Blueprint Genetics
Classification: Likely benign. Last evaluated: 2024-10-14. Review status: criteria provided, single submitter. Criteria: ACMG Guidelines, 2015. Collection method: clinical testing. Allele origin: germline.

GeneDx
Classification: Uncertain significance. Last evaluated: 2018-10-31. Review status: criteria provided, single submitter. Criteria: GeneDx Variant Classification (06012015). Collection method: clinical testing. Allele origin: germline. Affected: yes.
Comment: A variant of uncertain significance has been identified in the FAT4 gene. The c.12060 C>T varianthas not been published as a pathogenic variant, nor has it been reported as a benign variant to our knowledge. The c.12060 C>T variant is observed in 32/24034 (0.13%) alleles from individuals of African background in large population cohorts (Lek et al., 2016). Several in-silico splice prediction models predict that c.12060 C>T creates a weaker cryptic donor site which may lead to abnormal gene splicing. However, in the absence of functional studies, the actual effect of this sequence change in this individual is unknown. Therefore, based on the currently available information, it is unclear whether this variant is a pathogenic variant or a rare benign variant.

PreventionGenetics, part of Exact Sciences
Classification: Likely benign for FAT4-related condition. Last evaluated: 2024-01-11. Review status: no assertion criteria provided. Collection method: clinical testing. Allele origin: germline. Not counted in ClinVar's aggregate classification.
Comment: This variant is classified as likely benign based on ACMG/AMP sequence variant interpretation guidelines (Richards et al. 2015 PMID: 25741868, with internal and published modifications).

NM_001291303.3(FAT4):c.12066C>T (p.Gly4022=)

Gene: FAT4 (FAT atypical cadherin 4; plus strand). Cytogenetic location: 4q28.1.
Variant type: single nucleotide variant.
Coding change: c.12066C>T on transcript NM_001291303.3 (MANE Select); coding-DNA position 12066, C replaced by T.
Protein change: p.Gly4022=; no amino-acid change (glycine 4022 retained).
Molecular consequence: synonymous variant.
Genome position (GRCh38, 1-based): chr4:125,468,672, C>T. VCF-style: chr4-125468672-C-T. GRCh37 (hg19) VCF-style: chr4-126389827-C-T.
Other names: c.12066C>T, p.Gly4022= (NM_001291285.3); c.12060C>T, p.Gly4020= (NM_024582.6); c.12066C>T (NM_001291303.1).
Identifiers: ClinVar variation 503764 (VCV000503764.14), dbSNP rs144476127, ClinGen allele CA3073999.